The following is an entry in ClinVar:

ClinVar aggregate classification (germline): Uncertain significance. Review status: criteria provided, multiple submitters, no conflicts (2 of 4 stars). 5 submissions from 5 submitters: Uncertain significance (5). Last evaluated 2023-12-21.

Conditions:
Hypertrophic cardiomyopathy. Also called: HYPERTROPHIC MYOCARDIOPATHY. Identifiers: Orphanet 217569, MedGen C0007194, MeSH D002312, MONDO:0005045, HP:0001639.
Cardiovascular phenotype. Identifiers: MedGen CN230736.
Dilated cardiomyopathy 1S (CMD1S). Identifiers: Orphanet 154, Orphanet 54260, MedGen C1834481, MONDO:0013262, OMIM 613426.
MYH7-related skeletal myopathy. Also called: Myopathy, distal, 1; MYOPATHY, DISTAL, EARLY-ONSET, AUTOSOMAL DOMINANT; MYOPATHY, LATE DISTAL HEREDITARY; Laing early-onset distal myopathy; Laing distal myopathy. Identifiers: Orphanet 59135, MedGen C4552004, MONDO:0008050, OMIM 160500.
Hypertrophic cardiomyopathy 1 (CMH1). Also called: Familial hypertrophic cardiomyopathy 1; MYH7-Related Familial Hypertrophic Cardiomyopathy. Identifiers: MedGen C3495498, MONDO:0008647, OMIM 192600.
Myopathy, myosin storage, autosomal recessive (CMYO7B). Also called: CONGENITAL MYOPATHY 7B, MYOSIN STORAGE, AUTOSOMAL RECESSIVE. Identifiers: Orphanet 636970, MedGen C1850709, MONDO:0009708, OMIM 255160.
Congenital myopathy with fiber type disproportion. Also called: Congenital fiber-type disproportion myopathy; Congenital fiber-type disproportion. Identifiers: Orphanet 2020, MedGen C0546264, MONDO:0009711. Inheritance: all.
Myosin storage myopathy (CMYO7A). Also called: Scapuloperoneal myopathy, MYH7-related; MYH7-related late-onset scapuloperoneal muscular dystrophy; Congenital myopathy 7A, myosin storage, autosomal dominant; MYOPATHY, HYALINE BODY, AUTOSOMAL DOMINANT; MYOPATHY WITH LYSIS OF TYPE I MYOFIBRILS; SCAPULOPERONEAL MUSCULAR DYSTROPHY. Identifiers: Orphanet 437572, Orphanet 636965, MedGen C1842160, MONDO:0008409, OMIM 608358.

Allele frequency attached by ClinVar (database versions not stated): gnomAD exomes below 0.00001; gnomAD 0.00001.
gnomAD v4.1: 12 of 1,614,082 alleles (0.00074%); highest among the groups gnomAD compares: African/African-American, 0.0013%; no homozygotes.

Submissions (5):

Blueprint Genetics
Classification: Uncertain significance. Last evaluated: 2023-12-21. Review status: criteria provided, single submitter. Criteria: ACMG Guidelines, 2015. Collection method: clinical testing. Allele origin: germline.

Labcorp Genetics (formerly Invitae), Labcorp
Classification: Uncertain significance for Hypertrophic cardiomyopathy. Last evaluated: 2023-09-06. Review status: criteria provided, single submitter. Criteria: Invitae Variant Classification Sherloc (09022015). Collection method: clinical testing. Allele origin: germline.
Comment: In summary, the available evidence is currently insufficient to determine the role of this variant in disease. Therefore, it has been classified as a Variant of Uncertain Significance. This sequence change replaces asparagine, which is neutral and polar, with lysine, which is basic and polar, at codon 1679 of the MYH7 protein (p.Asn1679Lys). This variant is present in population databases (no rsID available, gnomAD 0.0009%). This variant has not been reported in the literature in individuals affected with MYH7-related conditions. ClinVar contains an entry for this variant (Variation ID: 1388062). Advanced modeling of protein sequence and biophysical properties (such as structural, functional, and spatial information, amino acid conservation, physicochemical variation, residue mobility, and thermodynamic stability) has been performed at Invitae for this missense variant, however the output from this modeling did not meet the statistical confidence thresholds required to predict the impact of this variant on MYH7 protein function.

GeneDx
Classification: Uncertain significance. Last evaluated: 2023-03-07. Review status: criteria provided, single submitter. Criteria: GeneDx Variant Classification Process June 2021. Collection method: clinical testing. Allele origin: germline. Affected: yes.
Comment: Not observed at significant frequency in large population cohorts (gnomAD); In silico analysis supports that this missense variant does not alter protein structure/function; Has not been previously published as pathogenic or benign to our knowledge; This variant is associated with the following publications: (PMID: 29192238)

Ambry Genetics
Classification: Uncertain significance for Cardiovascular phenotype. Last evaluated: 2022-08-03. Review status: criteria provided, single submitter. Criteria: Ambry Variant Classification Scheme 2023. Collection method: clinical testing. Allele origin: germline.
Comment: The p.N1679K variant (also known as c.5037C>G), located in coding exon 33 of the MYH7 gene, results from a C to G substitution at nucleotide position 5037. The asparagine at codon 1679 is replaced by lysine, an amino acid with similar properties. This alteration has been reported in a population-based whole exome sequencing cohort; however, clinical histories were not provided (Yamaguchi-Kabata Y et al. J Hum Genet, 2018 Feb;63:213-230). This amino acid position is well conserved in available vertebrate species. In addition, this alteration is predicted to be tolerated by in silico analysis. Since supporting evidence is limited at this time, the clinical significance of this alteration remains unclear.

Fulgent Genetics
Classification: Uncertain significance for MYH7-related skeletal myopathy; Myosin storage myopathy; Hypertrophic cardiomyopathy 1; Myopathy, myosin storage, autosomal recessive; Congenital myopathy 4A, autosomal dominant; Dilated cardiomyopathy 1S. Last evaluated: 2021-09-03. Review status: criteria provided, single submitter. Criteria: ACMG Guidelines, 2015. Collection method: clinical testing. Allele origin: unknown.

Literature cited by the submitters: PubMed 29192238 (cited by Ambry Genetics).

NM_000257.4(MYH7):c.5037C>G (p.Asn1679Lys)

Genes: MHRT (myosin heavy chain associated RNA transcript; plus strand), MYH7 (myosin heavy chain 7; minus strand), LOC126861897 (BRD4-independent group 4 enhancer GRCh37_chr14:23884455-23885654; plus strand). Cytogenetic location: 14q11.2.
Variant type: single nucleotide variant.
Coding change: c.5037C>G on transcript NM_000257.4 (MANE Select); coding-DNA position 5037, C replaced by G.
Protein change: p.Asn1679Lys; replaces asparagine 1679 with lysine.
Molecular consequence: missense variant. On other transcripts: non-coding transcript variant (1).
Genome position (GRCh38, 1-based): chr14:23,415,749, G>C on the plus strand (C>G on the coding strand, the complement: MYH7 is on the minus strand). VCF-style: chr14-23415749-G-C. GRCh37 (hg19) VCF-style: chr14-23884958-G-C.
Other names: c.5037C>G (NM_000257.2); short protein forms N1679K.
Identifiers: ClinVar variation 1388062 (VCV001388062.13), dbSNP rs1358888752, ClinGen allele CA389037090.